The following is an entry in ClinVar:

NM_001330691.3(CEP78):c.2059G>C (p.Glu687Gln)

Gene: CEP78 (centrosomal protein 78; plus strand). Cytogenetic location: 9q21.2.
Variant type: single nucleotide variant.
Coding change: c.2059G>C on transcript NM_001330691.3 (MANE Select); coding-DNA position 2059, G replaced by C.
Protein change: p.Glu687Gln; replaces glutamic acid 687 with glutamine.
Molecular consequence: missense variant.
Genome position (GRCh38, 1-based): chr9:78,266,655, G>C. VCF-style: chr9-78266655-G-C. GRCh37 (hg19) VCF-style: chr9-80881571-G-C.
Other names: c.2062G>C, p.Glu688Gln (NM_001098802.3, NM_001349839.2); c.2011G>C, p.Glu671Gln (NM_001330693.3, NM_001330694.2); c.2059G>C, p.Glu687Gln (NM_001349838.2); c.2014G>C, p.Glu672Gln (NM_001349840.2, NM_032171.3); short protein forms E688Q, E671Q, E672Q, E687Q.
Identifiers: ClinVar variation 1514699 (VCV001514699.6), dbSNP rs1310952000, ClinGen allele CA373867841.

ClinVar aggregate classification (germline): Uncertain significance (1 of 4 stars; one submission).

Submission:

Labcorp Genetics (formerly Invitae), Labcorp
Classification: Uncertain significance. Last evaluated: 2024-02-24. Review status: criteria provided, single submitter. Criteria: Invitae Variant Classification Sherloc (09022015). Collection method: clinical testing. Allele origin: germline.
Comment: This sequence change replaces glutamic acid, which is acidic and polar, with glutamine, which is neutral and polar, at codon 688 of the CEP78 protein (p.Glu688Gln). This variant is not present in population databases (gnomAD no frequency). This variant has not been reported in the literature in individuals affected with CEP78-related conditions. ClinVar contains an entry for this variant (Variation ID: 1514699). An algorithm developed to predict the effect of missense changes on protein structure and function (PolyPhen-2) suggests that this variant is likely to be tolerated. In summary, the available evidence is currently insufficient to determine the role of this variant in disease. Therefore, it has been classified as a Variant of Uncertain Significance.